The following is an entry in ClinVar:

NM_001144967.3(NEDD4L):c.1510G>A (p.Glu504Lys)

Gene: NEDD4L (NEDD4 like E3 ubiquitin protein ligase; plus strand). Cytogenetic location: 18q21.31.
Variant type: single nucleotide variant.
Coding change: c.1510G>A on transcript NM_001144967.3 (MANE Select); coding-DNA position 1510, G replaced by A.
Protein change: p.Glu504Lys; replaces glutamic acid 504 with lysine.
Molecular consequence: missense variant.
Genome position (GRCh38, 1-based): chr18:58,343,038, G>A. VCF-style: chr18-58343038-G-A. GRCh37 (hg19) VCF-style: chr18-56010270-G-A.
Other names: c.1147G>A, p.Glu383Lys (NM_001144964.1, NM_001144965.2, NM_001144966.3); c.1486G>A, p.Glu496Lys (NM_001144968.2); c.1426G>A, p.Glu476Lys (NM_001144969.2); c.1087G>A, p.Glu363Lys (NM_001144970.3, NM_001144971.2); c.1318G>A, p.Glu440Lys (NM_001243960.2); c.1450G>A, p.Glu484Lys (NM_015277.6); short protein forms E363K, E383K, E440K, E476K, E484K, E496K, E504K.
Identifiers: ClinVar variation 1057726 (VCV001057726.9), dbSNP rs1027863827, ClinGen allele CA300873613.
Genomic context (GRCh38, chr18:58,343,038, plus strand): 5'-CCTTACAACTCCCCCAAACCACAACACAAAGTCACACAGAGCTTCTTGCCACCCGGCTGG[G>A]AAATGAGGATAGCGCCAAACGGCCGGCCCTTCTTCATTGATCATAACACAAAGACTACAA-3'
Protein context (NP_001138439.1, residues 494-514): VTQSFLPPGW[Glu504Lys]MRIAPNGRPF

ClinVar aggregate classification (germline): Uncertain significance (1 of 4 stars; one submission).

Allele frequency attached by ClinVar (database versions not stated): gnomAD exomes 0.00001; gnomAD 0.00002 and 0.00003; TOPMed 0.00003.
gnomAD v4.1: 23 of 1,613,336 alleles (0.0014%); highest among the groups gnomAD compares: Non-Finnish European, 0.0019%; no homozygotes.

Submission:

Labcorp Genetics (formerly Invitae), Labcorp
Classification: Uncertain significance. Last evaluated: 2022-08-31. Review status: criteria provided, single submitter. Criteria: Invitae Variant Classification Sherloc (09022015). Collection method: clinical testing. Allele origin: germline.
Comment: This variant has not been reported in the literature in individuals affected with NEDD4L-related conditions. ClinVar contains an entry for this variant (Variation ID: 1057726). Algorithms developed to predict the effect of missense changes on protein structure and function (SIFT, PolyPhen-2, Align-GVGD) all suggest that this variant is likely to be tolerated. In summary, the available evidence is currently insufficient to determine the role of this variant in disease. Therefore, it has been classified as a Variant of Uncertain Significance. This variant is present in population databases (no rsID available, gnomAD 0.007%). This sequence change replaces glutamic acid, which is acidic and polar, with lysine, which is basic and polar, at codon 484 of the NEDD4L protein (p.Glu484Lys).